The following is an entry in ClinVar:

ClinVar aggregate classification (germline): Benign/Likely benign. Review status: criteria provided, multiple submitters, no conflicts (2 of 4 stars). 3 submissions from 3 submitters: Benign (1); Likely benign (2). Last evaluated 2026-07-09.

Conditions:
Hereditary cancer-predisposing syndrome. Also called: Hereditary neoplastic syndrome; Neoplastic Syndromes, Hereditary; Tumor predisposition; Hereditary Cancer Syndrome. Identifiers: Orphanet 140162, MedGen C0027672, MeSH D009386, MONDO:0015356.
Rhabdoid tumor predisposition syndrome 2 (RTPS2). Identifiers: Orphanet 231108, Orphanet 69077, MedGen C2750074, MONDO:0013224, OMIM 613325.

Allele frequency attached by ClinVar (database versions not stated): ExAC 0.00002; gnomAD exomes 0.00001.

Submissions (3):

Myriad Genetics, Inc.
Classification: Benign for Rhabdoid tumor predisposition syndrome 2. Last evaluated: 2026-07-09. Review status: criteria provided, single submitter. Criteria: Myriad Autosomal Dominant, Autosomal Recessive and X-Linked Classification Criteria (2023). Collection method: clinical testing. Allele origin: unknown.
Comment: This variant is considered benign. This variant is a silent/synonymous amino acid change and it is not expected to impact splicing.

Labcorp Genetics (formerly Invitae), Labcorp
Classification: Likely benign for Rhabdoid tumor predisposition syndrome 2. Last evaluated: 2026-01-19. Review status: criteria provided, single submitter. Criteria: Invitae Variant Classification Sherloc (09022015). Collection method: clinical testing. Allele origin: germline.

Ambry Genetics
Classification: Likely benign for Hereditary cancer-predisposing syndrome. Last evaluated: 2019-06-14. Review status: criteria provided, single submitter. Criteria: Ambry Variant Classification Scheme 2023. Collection method: clinical testing. Allele origin: germline.

NM_003072.5(SMARCA4):c.870G>A (p.Ala290=)

Gene: SMARCA4 (SWI/SNF related BAF chromatin remodeling complex subunit ATPase 4; plus strand). Cytogenetic location: 19p13.2.
Variant type: single nucleotide variant.
Coding change: c.870G>A on transcript NM_003072.5 (MANE Select); coding-DNA position 870, G replaced by A.
Protein change: p.Ala290=; no amino-acid change (alanine 290 retained).
Molecular consequence: synonymous variant. On other transcripts: non-coding transcript variant (1).
Genome position (GRCh38, 1-based): chr19:10,987,676, G>A. VCF-style: chr19-10987676-G-A. GRCh37 (hg19) VCF-style: chr19-11098352-G-A.
Other names: c.870G>A, p.Ala290= (NM_001128844.3, NM_001128845.2, NM_001128846.2 and 4 more transcripts).
Identifiers: ClinVar variation 822674 (VCV000822674.14), dbSNP rs766575229, ClinGen allele CA9203616.